The following is an entry in ClinVar:

ClinVar aggregate classification (germline): Likely benign (1 of 4 stars; one submission).

Submission:

Women's Health and Genetics/Laboratory Corporation of America, LabCorp
Classification: Likely benign. Last evaluated: 2025-02-27. Review status: criteria provided, single submitter. Criteria: LabCorp Variant Classification Summary - May 2015. Collection method: clinical testing. Allele origin: germline.
Comment: Variant summary: KIF5A c.324C>T alters a non-conserved nucleotide resulting in a synonymous change. Consensus agreement among computation tools predict no significant impact on normal splicing. However, these predictions have yet to be confirmed by functional studies. The variant allele was found at a frequency of 4e-06 in 251076 control chromosomes. The available data on variant occurrences in the general population are insufficient to allow any conclusion about variant significance. To our knowledge, no occurrence of c.324C>T in individuals affected with Spastic Paraglegia 10 and no experimental evidence demonstrating its impact on protein function have been reported. No submitters have cited clinical-significance assessments for this variant to ClinVar. Based on the evidence outlined above, the variant was classified as likely benign.

NM_004984.4(KIF5A):c.324C>T (p.Ile108=)

Gene: KIF5A (kinesin family member 5A; plus strand). Cytogenetic location: 12q13.3.
Variant type: single nucleotide variant.
Coding change: c.324C>T on transcript NM_004984.4 (MANE Select); coding-DNA position 324, C replaced by T.
Protein change: p.Ile108=; no amino-acid change (isoleucine 108 retained).
Molecular consequence: synonymous variant. On other transcripts: intron variant (1).
Genome position (GRCh38, 1-based): chr12:57,564,140, C>T. VCF-style: chr12-57564140-C-T. GRCh37 (hg19) VCF-style: chr12-57957923-C-T.
Other names: c.130-320C>T (NM_001354705.2).
Identifiers: ClinVar variation 3769047 (VCV003769047.1).